The following is an entry in ClinVar:

NM_017636.4(TRPM4):c.3632G>T (p.Gly1211Val)

Gene: TRPM4 (transient receptor potential cation channel subfamily M member 4; plus strand). Cytogenetic location: 19q13.33.
Variant type: single nucleotide variant.
Coding change: c.3632G>T on transcript NM_017636.4 (MANE Select); coding-DNA position 3632, G replaced by T.
Protein change: p.Gly1211Val; replaces glycine 1211 with valine.
Molecular consequence: missense variant.
Genome position (GRCh38, 1-based): chr19:49,211,261, G>T. VCF-style: chr19-49211261-G-T. GRCh37 (hg19) VCF-style: chr19-49714518-G-T.
Other names: c.3197G>T, p.Gly1066Val (NM_001195227.2); c.3287G>T, p.Gly1096Val (NM_001321281.2); c.2024G>T, p.Gly675Val (NM_001321282.2); c.3110G>T, p.Gly1037Val (NM_001321283.2); c.2570G>T, p.Gly857Val (NM_001321285.2); short protein forms G1066V, G1037V, G1096V, G675V, G1211V, G857V.
Identifiers: ClinVar variation 3811039 (VCV003811039.1).
Genomic context (GRCh38, chr19:49,211,261, plus strand): 5'-AGGCCCTGAGCCGCTCTGCCTTGCTGCCCCCAGGTGGGCCGCCACCCCCTGACCTGCCTG[G>T]GTCCAAAGGTCAGTGTGTAGCATCAGCCTGTGCATCTCCAGCCTCTGTTCCTGTATTTTT-3'
Protein context (NP_060106.2, residues 1201-1214): PGGPPPPDLP[Gly1211Val]SKD

ClinVar aggregate classification (germline): Uncertain significance (1 of 4 stars; one submission).

Conditions:
Cardiovascular phenotype. Identifiers: MedGen CN230736.

Submission:

Ambry Genetics
Classification: Uncertain significance for Cardiovascular phenotype. Last evaluated: 2024-12-21. Review status: criteria provided, single submitter. Criteria: Ambry Variant Classification Scheme 2023. Collection method: clinical testing. Allele origin: germline.
Comment: The p.G1211V variant (also known as c.3632G>T), located in coding exon 24 of the TRPM4 gene, results from a G to T substitution at nucleotide position 3632. The glycine at codon 1211 is replaced by valine, an amino acid with dissimilar properties. This amino acid position is conserved. In addition, this alteration is predicted to be tolerated by in silico analysis. Based on the available evidence, the clinical significance of this variant remains unclear.